The following is an entry in ClinVar:

ClinVar aggregate classification (germline): Uncertain significance (1 of 4 stars; one submission).

Submission:

Labcorp Genetics (formerly Invitae), Labcorp
Classification: Uncertain significance. Last evaluated: 2022-11-17. Review status: criteria provided, single submitter. Criteria: Invitae Variant Classification Sherloc (09022015). Collection method: clinical testing. Allele origin: germline.
Comment: In summary, the available evidence is currently insufficient to determine the role of this variant in disease. Therefore, it has been classified as a Variant of Uncertain Significance. Experimental studies and prediction algorithms are not available or were not evaluated, and the functional significance of this variant is currently unknown. This variant has not been reported in the literature in individuals affected with CRB2-related conditions. The frequency data for this variant in the population databases is considered unreliable, as metrics indicate poor data quality at this position in the gnomAD database. This variant, c.3714_3716del, results in the deletion of 1 amino acid(s) of the CRB2 protein (p.Leu1239del), but otherwise preserves the integrity of the reading frame.

NM_173689.7(CRB2):c.3699CCT[5] (p.Leu1239del)

Gene: CRB2 (crumbs cell polarity complex component 2; plus strand). Cytogenetic location: 9q33.3.
Variant type: Microsatellite.
Coding change: c.3699CCT[5] on transcript NM_173689.7 (MANE Select); five copies in a row of the 3-base unit CCT starting at c.3699; the reference has six copies in a row; one copy, 3 bases deleted.
Protein change: p.Leu1239del; deletes leucine 1239.
Molecular consequence: inframe deletion. On other transcripts: non-coding transcript variant (1).
Genome position (GRCh38, 1-based): chr9:123,376,918-123,376,920, CCT deleted; deleting any 3 consecutive bases within chr9:123,376,903-123,376,920 gives the same sequence; the position shown is the placement nearest the transcript's 3' end. VCF-style (leftmost placement, unchanged base first): chr9-123376902-GCCT-G. GRCh37 (hg19) VCF-style: chr9-126139181-GCCT-G.
Other names: short protein forms L1239del.
Identifiers: ClinVar variation 2860668 (VCV002860668.1), dbSNP rs767432277, ClinGen allele CA5232591.